The following is an entry in ClinVar:

NM_001205254.2(OCLN):c.631C>A (p.Gln211Lys)

Gene: OCLN (occludin; plus strand). Cytogenetic location: 5q13.2.
Variant type: single nucleotide variant.
Coding change: c.631C>A on transcript NM_001205254.2 (MANE Select); coding-DNA position 631, C replaced by A.
Protein change: p.Gln211Lys; replaces glutamine 211 with lysine.
Molecular consequence: missense variant. On other transcripts: intron variant (1).
Genome position (GRCh38, 1-based): chr5:69,509,721, C>A. VCF-style: chr5-69509721-C-A. GRCh37 (hg19) VCF-style: chr5-68805548-C-A.
Other names: c.631C>A, p.Gln211Lys (NM_001410743.1, NM_001438048.1, NM_001438604.1 and 1 more transcripts); c.-24-4227C>A (NM_001205255.2); short protein forms Q211K.
Identifiers: ClinVar variation 2044509 (VCV002044509.5), dbSNP rs1768724141, ClinGen allele CA360077606.
Genomic context (GRCh38, chr5:69,509,721, plus strand): 5'-ATTGTCTATATAATGGGAGTGAACCCAACTGCTCAGTCTTCTGGATCTCTATATGGTTCA[C>A]AAATATATGCCCTCTGCAACCAATTTTATACACCTGCAGCTACTGGACTCTACGTGGATC-3'
Protein context (NP_001192183.1, residues 201-221): AQSSGSLYGS[Gln211Lys]IYALCNQFYT

ClinVar aggregate classification (germline): Uncertain significance. Review status: criteria provided, multiple submitters, no conflicts (2 of 4 stars). 2 submissions from 2 submitters: Uncertain significance (2). Last evaluated 2024-03-17.

Submissions (2):

GeneDx
Classification: Uncertain significance. Last evaluated: 2024-03-17. Review status: criteria provided, single submitter. Criteria: GeneDx Variant Classification Process June 2021. Collection method: clinical testing. Allele origin: germline. Affected: yes.
Comment: Not observed at significant frequency in large population cohorts (gnomAD); In silico analysis supports that this missense variant does not alter protein structure/function; Has not been previously published as pathogenic or benign to our knowledge

Labcorp Genetics (formerly Invitae), Labcorp
Classification: Uncertain significance. Last evaluated: 2022-04-06. Review status: criteria provided, single submitter. Criteria: Invitae Variant Classification Sherloc (09022015). Collection method: clinical testing. Allele origin: germline.
Comment: In summary, the available evidence is currently insufficient to determine the role of this variant in disease. Therefore, it has been classified as a Variant of Uncertain Significance. Algorithms developed to predict the effect of missense changes on protein structure and function (SIFT, PolyPhen-2, Align-GVGD) all suggest that this variant is likely to be disruptive. This variant has not been reported in the literature in individuals affected with OCLN-related conditions. This variant is not present in population databases (gnomAD no frequency). This sequence change replaces glutamine, which is neutral and polar, with lysine, which is basic and polar, at codon 211 of the OCLN protein (p.Gln211Lys).